The following is an entry in ClinVar:

NM_001184.4(ATR):c.4782C>A (p.His1594Gln)

Gene: ATR (ATR checkpoint kinase; minus strand). Cytogenetic location: 3q23.
Variant type: single nucleotide variant.
Coding change: c.4782C>A on transcript NM_001184.4 (MANE Select); coding-DNA position 4782, C replaced by A.
Protein change: p.His1594Gln; replaces histidine 1594 with glutamine.
Molecular consequence: missense variant.
Genome position (GRCh38, 1-based): chr3:142,512,330, G>T on the plus strand (C>A on the coding strand, the complement: ATR is on the minus strand). VCF-style: chr3-142512330-G-T. GRCh37 (hg19) VCF-style: chr3-142231172-G-T.
Other names: c.4590C>A, p.His1530Gln (NM_001354579.2); short protein forms H1594Q, H1530Q.
Identifiers: ClinVar variation 1743053 (VCV001743053.2), dbSNP rs2108371513, ClinGen allele CA354795311.

ClinVar aggregate classification (germline): Uncertain significance (1 of 4 stars; one submission).

Conditions:
Inborn genetic diseases. Identifiers: MedGen C0950123, MeSH D030342.

Allele frequency attached by ClinVar (database versions not stated): gnomAD exomes below 0.00001.
gnomAD v4.1: 1 of 1,610,298 alleles (0.000062%); highest among the groups gnomAD compares: Non-Finnish European, 0.000085%; no homozygotes.

Submission:

Ambry Genetics
Classification: Uncertain significance for Inborn genetic diseases. Last evaluated: 2022-10-12. Review status: criteria provided, single submitter. Criteria: Ambry Variant Classification Scheme 2023. Collection method: clinical testing. Allele origin: germline.
Comment: The p.H1594Q variant (also known as c.4782C>A), located in coding exon 27 of the ATR gene, results from a C to A substitution at nucleotide position 4782. The histidine at codon 1594 is replaced by glutamine, an amino acid with highly similar properties. This amino acid position is conserved. In addition, this alteration is predicted to be tolerated by in silico analysis. Since supporting evidence is limited at this time, the clinical significance of this alteration remains unclear.